The following is an entry in ClinVar:

NM_001267550.2(TTN):c.22481C>A (p.Ser7494Tyr)

Gene: TTN (titin; minus strand). Cytogenetic location: 2q31.2.
Variant type: single nucleotide variant.
Coding change: c.22481C>A on transcript NM_001267550.2 (MANE Select); coding-DNA position 22481, C replaced by A.
Protein change: p.Ser7494Tyr; replaces serine 7494 with tyrosine.
Molecular consequence: missense variant. On other transcripts: intron variant (3).
Genome position (GRCh38, 1-based): chr2:178,722,306, G>T on the plus strand (C>A on the coding strand, the complement: TTN is on the minus strand). VCF-style: chr2-178722306-G-T. GRCh37 (hg19) VCF-style: chr2-179587033-G-T.
Other names: c.21530C>A, p.Ser7177Tyr (NM_001256850.1); c.18749C>A, p.Ser6250Tyr (NM_133378.4); c.13282+15776C>A (NM_003319.4); c.13858+15776C>A (NM_133437.4); c.13657+15776C>A (NM_133432.3); short protein forms S6250Y, S7177Y, S7494Y.
Identifiers: ClinVar variation 4990742 (VCV004990742.1).

ClinVar aggregate classification (germline): Uncertain significance (1 of 4 stars; one submission).

Conditions:
TTN-related disorder. Also called: TTN-related disorders; TTN-related condition; TTN-related disease.

gnomAD v4.1: 17 of 1,610,906 alleles (0.0011%); highest among the groups gnomAD compares: Non-Finnish European, 0.0014%; no homozygotes.

Submission:

PreventionGenetics, part of Exact Sciences
Classification: Uncertain significance for TTN-related condition. Last evaluated: 2026-09-10. Review status: criteria provided, single submitter. Criteria: ACMG Guidelines, 2015. Collection method: clinical testing. Allele origin: germline.
Comment: The TTN c.22481C>A variant is predicted to result in the amino acid substitution p.Ser7494Tyr. To our knowledge, this variant has not been reported in the literature. This variant is reported in 0.0065% of alleles in individuals of African descent in gnomAD. At this time, the clinical significance of this variant is uncertain due to the absence of conclusive functional and genetic evidence.